The following is an entry in ClinVar:

NM_000113.3(TOR1A):c.877G>T (p.Asp293Tyr)

Gene: TOR1A (torsin family 1 member A; minus strand). Cytogenetic location: 9q34.11.
Variant type: single nucleotide variant.
Coding change: c.877G>T on transcript NM_000113.3 (MANE Select); coding-DNA position 877, G replaced by T.
Protein change: p.Asp293Tyr; replaces aspartic acid 293 with tyrosine.
Molecular consequence: missense variant.
Genome position (GRCh38, 1-based): chr9:129,814,094, C>A on the plus strand (G>T on the coding strand, the complement: TOR1A is on the minus strand). VCF-style: chr9-129814094-C-A. GRCh37 (hg19) VCF-style: chr9-132576373-C-A.
Other names: short protein forms D293Y.
Identifiers: ClinVar variation 3572565 (VCV003572565.1).
Genomic context (GRCh38, chr9:129,814,094, plus strand): 5'-CTCTCTCCTCTTTGGGGAAAAATGTCATCTCCTCAGCCACTCTGCTTACAATGTCTTCAT[C>A]AATTTCATAGCCTCGGGACTGCATTTCCACTCGGATACACATTTTTAGGTGTTTGTATTC-3'
Protein context (NP_000104.1, residues 283-303): VEMQSRGYEI[Asp293Tyr]EDIVSRVAEE

ClinVar aggregate classification (germline): Uncertain significance (1 of 4 stars; one submission).

Submission:

GeneDx
Classification: Uncertain significance. Last evaluated: 2024-07-08. Review status: criteria provided, single submitter. Criteria: GeneDx Variant Classification Process June 2021. Collection method: clinical testing. Allele origin: germline. Affected: yes.
Comment: Not observed at significant frequency in large population cohorts (gnomAD); In silico analysis supports that this missense variant has a deleterious effect on protein structure/function; Has not been previously published as pathogenic or benign to our knowledge